The following is an entry in ClinVar:

ClinVar aggregate classification (germline): Conflicting classifications of pathogenicity. Review status: criteria provided, conflicting classifications (1 of 4 stars). 2 submissions from 2 submitters: Pathogenic (1); Uncertain significance (1). Last evaluated 2025-10-14.

Conditions:
BEST1-related disorder. Also called: BEST1-related condition; BEST1-related disorders. Identifiers: MedGen CN239200.

Submissions (2):

Labcorp Genetics (formerly Invitae), Labcorp
Classification: Uncertain significance. Last evaluated: 2025-10-14. Review status: criteria provided, single submitter. Criteria: Invitae Variant Classification Sherloc (09022015). Collection method: clinical testing. Allele origin: germline.
Comment: This sequence change replaces phenylalanine, which is neutral and non-polar, with valine, which is neutral and non-polar, at codon 84 of the BEST1 protein (p.Phe84Val). This variant is not present in population databases (gnomAD no frequency). This missense change has been observed in individuals with BEST macular dystrophy (PMID: 21273940, 25082885; internal data). An algorithm developed to predict the effect of missense changes on protein structure and function (PolyPhen-2) suggests that this variant is likely to be disruptive. In summary, the available evidence is currently insufficient to determine the role of this variant in disease. Therefore, it has been classified as a Variant of Uncertain Significance.

Blueprint Genetics
Classification: Pathogenic for BEST1-related disorders. Last evaluated: 2022-11-17. Review status: criteria provided, single submitter. Criteria: ACMG Guidelines, 2015. Collection method: clinical testing. Allele origin: germline. Affected: yes. Observed: 5 variant alleles.

Literature cited by the submitters: PubMed 21273940 (cited by Labcorp Genetics (formerly Invitae), Labcorp); PubMed 25082885 (cited by Labcorp Genetics (formerly Invitae), Labcorp).

NM_004183.4(BEST1):c.250T>G (p.Phe84Val)

Gene: BEST1 (bestrophin 1; plus strand). Cytogenetic location: 11q12.3.
Variant type: single nucleotide variant.
Coding change: c.250T>G on transcript NM_004183.4 (MANE Select); coding-DNA position 250, T replaced by G.
Protein change: p.Phe84Val; replaces phenylalanine 84 with valine.
Molecular consequence: missense variant. On other transcripts: 5 prime UTR variant (2), non-coding transcript variant (1).
Genome position (GRCh38, 1-based): chr11:61,955,720, T>G. VCF-style: chr11-61955720-T-G. GRCh37 (hg19) VCF-style: chr11-61723192-T-G.
Other names: c.70T>G, p.Phe24Val (NM_001139443.3, NM_001300786.2, NM_001300787.2 and 3 more transcripts); c.-69T>G (NM_001363591.3); c.250T>G, p.Phe84Val (NM_001363592.2, NM_001440571.1, NM_001440572.1 and 1 more transcripts); c.-926T>G (NM_001363593.3); short protein forms F84V, F24V.
Identifiers: ClinVar variation 4709838 (VCV004709838.2).
Genomic context (GRCh38, chr11:61,955,720, plus strand): 5'-CCTGGGCTCTGGCCGCAGCCTGGCCCCTCGCCCCTCGCCCCCCGCCCCTCCTGCCCAGGC[T>G]TCTACGTGACGCTGGTCGTGACCCGCTGGTGGAACCAGTACGAGAACCTGCCGTGGCCCG-3'
Protein context (NP_004174.1, residues 74-94): QLIPISFVLG[Phe84Val]YVTLVVTRWW